The following is an entry in ClinVar:

NM_002519.3(NPAT):c.3965C>T (p.Thr1322Ile)

Gene: NPAT (nuclear protein, coactivator of histone transcription; minus strand). Cytogenetic location: 11q22.3.
Variant type: single nucleotide variant.
Coding change: c.3965C>T on transcript NM_002519.3 (MANE Select); coding-DNA position 3965, C replaced by T.
Protein change: p.Thr1322Ile; replaces threonine 1322 with isoleucine.
Molecular consequence: missense variant.
Genome position (GRCh38, 1-based): chr11:108,161,121, G>A on the plus strand (C>T on the coding strand, the complement: NPAT is on the minus strand). VCF-style: chr11-108161121-G-A. GRCh37 (hg19) VCF-style: chr11-108031848-G-A.
Other names: c.3986C>T, p.Thr1329Ile (NM_001321307.1); short protein forms T1322I, T1329I.
Identifiers: ClinVar variation 2567994 (VCV002567994.2), dbSNP rs2496693851, ClinGen allele CA382509658.

ClinVar aggregate classification (germline): Uncertain significance (1 of 4 stars; one submission).

Allele frequency attached by ClinVar (database versions not stated): gnomAD exomes below 0.00001.
gnomAD v4.1: 2 of 1,614,188 alleles (0.00012%); highest among the groups gnomAD compares: Non-Finnish European, 0.00017%; no homozygotes.

Submission:

Ambry Genetics
Classification: Uncertain significance. Last evaluated: 2023-05-12. Review status: criteria provided, single submitter. Criteria: Ambry Variant Classification Scheme 2023. Collection method: clinical testing. Allele origin: germline.
Comment: The p.T1322I variant (also known as c.3965C>T), located in coding exon 17 of the NPAT gene, results from a C to T substitution at nucleotide position 3965. The threonine at codon 1322 is replaced by isoleucine, an amino acid with similar properties. This amino acid position is conserved. In addition, this alteration is predicted to be tolerated by in silico analysis. Since supporting evidence is limited at this time, the clinical significance of this alteration remains unclear.